The following is an entry in ClinVar:

ClinVar aggregate classification (germline): Uncertain significance. Review status: criteria provided, multiple submitters, no conflicts (2 of 4 stars). 2 submissions from 2 submitters: Uncertain significance (2). Last evaluated 2024-05-20.

Conditions:
Inborn genetic diseases. Identifiers: MedGen C0950123, MeSH D030342.

gnomAD v4.1: 16 of 1,614,082 alleles (0.00099%); highest among the groups gnomAD compares: South Asian, 0.0077%; no homozygotes.

Submissions (2):

Labcorp Genetics (formerly Invitae), Labcorp
Classification: Uncertain significance. Last evaluated: 2024-05-20. Review status: criteria provided, single submitter. Criteria: Invitae Variant Classification Sherloc (09022015). Collection method: clinical testing. Allele origin: germline.
Comment: This sequence change replaces glycine, which is neutral and non-polar, with alanine, which is neutral and non-polar, at codon 1294 of the DUOX2 protein (p.Gly1294Ala). This variant is present in population databases (no rsID available, gnomAD 0.003%). This variant has not been reported in the literature in individuals affected with DUOX2-related conditions. ClinVar contains an entry for this variant (Variation ID: 1913765). Advanced modeling of protein sequence and biophysical properties (such as structural, functional, and spatial information, amino acid conservation, physicochemical variation, residue mobility, and thermodynamic stability) performed at Invitae indicates that this missense variant is not expected to disrupt DUOX2 protein function with a negative predictive value of 80%. In summary, the available evidence is currently insufficient to determine the role of this variant in disease. Therefore, it has been classified as a Variant of Uncertain Significance.

Ambry Genetics
Classification: Uncertain significance for Inborn genetic diseases. Last evaluated: 2021-08-12. Review status: criteria provided, single submitter. Criteria: Ambry Variant Classification Scheme 2023. Collection method: clinical testing. Allele origin: germline.

NM_001363711.2(DUOX2):c.3881G>C (p.Gly1294Ala)

Gene: DUOX2 (dual oxidase 2; minus strand). Cytogenetic location: 15q21.1.
Variant type: single nucleotide variant.
Coding change: c.3881G>C on transcript NM_001363711.2 (MANE Select); coding-DNA position 3881, G replaced by C.
Protein change: p.Gly1294Ala; replaces glycine 1294 with alanine.
Molecular consequence: missense variant.
Genome position (GRCh38, 1-based): chr15:45,096,027, C>G on the plus strand (G>C on the coding strand, the complement: DUOX2 is on the minus strand). VCF-style: chr15-45096027-C-G. GRCh37 (hg19) VCF-style: chr15-45388225-C-G.
Other names: c.3881G>C, p.Gly1294Ala (NM_014080.5); short protein forms G1294A.
Identifiers: ClinVar variation 1913765 (VCV001913765.5), dbSNP rs760616984, ClinGen allele CA392254222.